The following is an entry in ClinVar:

ClinVar aggregate classification (germline): Uncertain significance (1 of 4 stars; one submission).

Conditions:
Lowe syndrome (OCRL). Also called: Oculocerebrorenal Syndrome; LOWE OCULOCEREBRORENAL SYNDROME; PHOSPHATIDYLINOSITOL 4,5-BISPHOSPHATE 5-PHOSPHATASE DEFICIENCY. Identifiers: Orphanet 534, MedGen C0028860, MONDO:0010645, OMIM 309000.

Allele frequency attached by ClinVar (database versions not stated): gnomAD exomes 0.00002.
gnomAD v4.1: 18 of 1,212,186 alleles (0.0015%); highest among the groups gnomAD compares: Non-Finnish European, 0.002%; no homozygotes.

Submission:

Labcorp Genetics (formerly Invitae), Labcorp
Classification: Uncertain significance for Lowe syndrome. Last evaluated: 2022-05-28. Review status: criteria provided, single submitter. Criteria: Invitae Variant Classification Sherloc (09022015). Collection method: clinical testing. Allele origin: germline.
Comment: This sequence change replaces lysine, which is basic and polar, with glutamic acid, which is acidic and polar, at codon 192 of the OCRL protein (p.Lys192Glu). This variant is present in population databases (no rsID available, gnomAD 0.001%). This variant has not been reported in the literature in individuals affected with OCRL-related conditions. Advanced modeling of protein sequence and biophysical properties (such as structural, functional, and spatial information, amino acid conservation, physicochemical variation, residue mobility, and thermodynamic stability) performed at Invitae indicates that this missense variant is not expected to disrupt OCRL protein function. In summary, the available evidence is currently insufficient to determine the role of this variant in disease. Therefore, it has been classified as a Variant of Uncertain Significance.

NM_000276.4(OCRL):c.574A>G (p.Lys192Glu)

Gene: OCRL (OCRL inositol polyphosphate-5-phosphatase; plus strand). Cytogenetic location: Xq26.1.
Variant type: single nucleotide variant.
Coding change: c.574A>G on transcript NM_000276.4 (MANE Select); coding-DNA position 574, A replaced by G.
Protein change: p.Lys192Glu; replaces lysine 192 with glutamic acid.
Molecular consequence: missense variant.
Genome position (GRCh38, 1-based): chrX:129,558,853, A>G. VCF-style: chrX-129558853-A-G. GRCh37 (hg19) VCF-style: chrX-128692830-A-G.
Other names: c.577A>G, p.Lys193Glu (NM_001318784.2); c.574A>G, p.Lys192Glu (NM_001587.4); short protein forms K192E, K193E.
Identifiers: ClinVar variation 1965975 (VCV001965975.2), dbSNP rs1202051592, ClinGen allele CA414551568.